The following is an entry in ClinVar:

NM_001253697.2(ERBIN):c.3517C>T (p.Pro1173Ser)

Gene: ERBIN (erbb2 interacting protein; plus strand). Cytogenetic location: 5q12.3.
Variant type: single nucleotide variant.
Coding change: c.3517C>T on transcript NM_001253697.2 (MANE Select); coding-DNA position 3517, C replaced by T.
Protein change: p.Pro1173Ser; replaces proline 1173 with serine.
Molecular consequence: missense variant.
Genome position (GRCh38, 1-based): chr5:66,054,835, C>T. VCF-style: chr5-66054835-C-T. GRCh37 (hg19) VCF-style: chr5-65350663-C-T.
Other names: c.3517C>T, p.Pro1173Ser (NM_001006600.3, NM_001253698.2, NM_001253699.2 and 1 more transcripts); c.3505C>T, p.Pro1169Ser (NM_001253701.2); short protein forms P1169S, P1173S.
Identifiers: ClinVar variation 2968959 (VCV002968959.3), dbSNP rs1230176748, ClinGen allele CA359870003.

ClinVar aggregate classification (germline): Uncertain significance (1 of 4 stars; one submission).

Allele frequency attached by ClinVar (database versions not stated): gnomAD 0.00001; TOPMed 0.00001.
gnomAD v4.1: 3 of 1,613,974 alleles (0.00019%); highest among the groups gnomAD compares: African/African-American, 0.0027%; no homozygotes.

Submission:

Labcorp Genetics (formerly Invitae), Labcorp
Classification: Uncertain significance. Last evaluated: 2023-08-23. Review status: criteria provided, single submitter. Criteria: Invitae Variant Classification Sherloc (09022015). Collection method: clinical testing. Allele origin: germline.
Comment: In summary, the available evidence is currently insufficient to determine the role of this variant in disease. Therefore, it has been classified as a Variant of Uncertain Significance. This sequence change replaces proline, which is neutral and non-polar, with serine, which is neutral and polar, at codon 1173 of the ERBIN protein (p.Pro1173Ser). This variant is not present in population databases (gnomAD no frequency). This variant has not been reported in the literature in individuals affected with ERBIN-related conditions. An algorithm developed to predict the effect of missense changes on protein structure and function (PolyPhen-2) suggests that this variant is likely to be tolerated.